The following is an entry in ClinVar:

NM_001283009.2(RTEL1):c.3176C>G (p.Ala1059Gly)

Genes: RTEL1 (regulator of telomere elongation helicase 1; plus strand), RTEL1-TNFRSF6B (RTEL1-TNFRSF6B readthrough (NMD candidate); plus strand). Cytogenetic location: 20q13.33.
Variant type: single nucleotide variant.
Coding change: c.3176C>G on transcript NM_001283009.2 (MANE Select); coding-DNA position 3176, C replaced by G.
Protein change: p.Ala1059Gly; replaces alanine 1059 with glycine.
Molecular consequence: missense variant. On other transcripts: non-coding transcript variant (1).
Genome position (GRCh38, 1-based): chr20:63,694,807, C>G. VCF-style: chr20-63694807-C-G. GRCh37 (hg19) VCF-style: chr20-62326160-C-G.
Other names: c.2507C>G, p.Ala836Gly (NM_001283010.1); c.3176C>G, p.Ala1059Gly (NM_016434.4); c.3248C>G, p.Ala1083Gly (NM_032957.5); short protein forms A836G, A1059G, A1083G.
Identifiers: ClinVar variation 5028515 (VCV005028515.1).

ClinVar aggregate classification (germline): Uncertain significance (1 of 4 stars; one submission).

Conditions:
Inborn genetic diseases. Identifiers: MedGen C0950123, MeSH D030342.

Submission:

Ambry Genetics
Classification: Uncertain significance for Inborn genetic diseases. Last evaluated: 2026-08-18. Review status: criteria provided, single submitter. Criteria: Ambry Variant Classification Scheme 2023. Collection method: clinical testing. Allele origin: germline.
Comment: The p.A1059G variant (also known as c.3176C>G), located in coding exon 31 of the RTEL1 gene, results from a C to G substitution at nucleotide position 3176. The alanine at codon 1059 is replaced by glycine, an amino acid with similar properties. This amino acid position is conserved. In addition, this alteration is predicted to be tolerated by in silico analysis. Based on the available evidence, the clinical significance of this variant remains unclear.